The following is an entry in ClinVar:

ClinVar aggregate classification (germline): Uncertain significance (1 of 4 stars; one submission).

Allele frequency attached by ClinVar (database versions not stated): gnomAD exomes below 0.00001.
gnomAD v4.1: 3 of 1,613,296 alleles (0.00019%); highest among the groups gnomAD compares: South Asian, 0.0022%; no homozygotes.

Submission:

Labcorp Genetics (formerly Invitae), Labcorp
Classification: Uncertain significance. Last evaluated: 2023-05-31. Review status: criteria provided, single submitter. Criteria: Invitae Variant Classification Sherloc (09022015). Collection method: clinical testing. Allele origin: germline.
Comment: In summary, the available evidence is currently insufficient to determine the role of this variant in disease. Therefore, it has been classified as a Variant of Uncertain Significance. Experimental studies and prediction algorithms are not available or were not evaluated, and the functional significance of this variant is currently unknown. This variant has not been reported in the literature in individuals affected with PCLO-related conditions. This variant is present in population databases (no rsID available, gnomAD 0.003%). This sequence change replaces glutamine, which is neutral and polar, with glutamic acid, which is acidic and polar, at codon 1881 of the PCLO protein (p.Gln1881Glu).

NM_033026.6(PCLO):c.5641C>G (p.Gln1881Glu)

Gene: PCLO (piccolo presynaptic cytomatrix protein; minus strand). Cytogenetic location: 7q21.11.
Variant type: single nucleotide variant.
Coding change: c.5641C>G on transcript NM_033026.6 (MANE Select); coding-DNA position 5641, C replaced by G.
Protein change: p.Gln1881Glu; replaces glutamine 1881 with glutamic acid.
Molecular consequence: missense variant.
Genome position (GRCh38, 1-based): chr7:82,955,312, G>C on the plus strand (C>G on the coding strand, the complement: PCLO is on the minus strand). VCF-style: chr7-82955312-G-C. GRCh37 (hg19) VCF-style: chr7-82584628-G-C.
Other names: c.5641C>G, p.Gln1881Glu (NM_014510.3); short protein forms Q1881E.
Identifiers: ClinVar variation 2844956 (VCV002844956.2), dbSNP rs1264503541, ClinGen allele CA367923760.
Genomic context (GRCh38, chr7:82,955,312, plus strand): 5'-TAGATTGCTCATCTGTTGGTGAGTATAATGAAACAGCTGTGGGCAATTTATAAACTTTTT[G>C]TACTTCTATTATTTTTTCCGGGCTTATTTCAAAACCTTCTGGGTCTGACTCTATGCTAGG-3'
Protein context (NP_149015.2, residues 1871-1891): EISPEKIIEV[Gln1881Glu]KVYKLPTAVS